The following is an entry in ClinVar:

ClinVar aggregate classification (germline): Uncertain significance (1 of 4 stars; one submission).

Conditions:
Hereditary cancer-predisposing syndrome. Also called: Tumor predisposition; Hereditary Cancer Syndrome; Neoplastic Syndromes, Hereditary; Hereditary neoplastic syndrome. Identifiers: Orphanet 140162, MedGen C0027672, MeSH D009386, MONDO:0015356.

gnomAD v4.1: 1 of 1,614,024 alleles (0.000062%); highest among the groups gnomAD compares: Middle Eastern, 0.016%; no homozygotes.

Submission:

Ambry Genetics
Classification: Uncertain significance for Hereditary cancer-predisposing syndrome. Last evaluated: 2023-06-12. Review status: criteria provided, single submitter. Criteria: Ambry Variant Classification Scheme 2023. Collection method: clinical testing. Allele origin: germline.
Comment: The p.S904C variant (also known as c.2711C>G), located in coding exon 20 of the MSH3 gene, results from a C to G substitution at nucleotide position 2711. The serine at codon 904 is replaced by cysteine, an amino acid with dissimilar properties. This amino acid position is highly conserved in available vertebrate species. In addition, this alteration is predicted to be deleterious by in silico analysis. Since supporting evidence is limited at this time, the clinical significance of this alteration remains unclear.

NM_002439.5(MSH3):c.2711C>G (p.Ser904Cys)

Gene: MSH3 (mutS homolog 3; plus strand). Cytogenetic location: 5q14.1.
Variant type: single nucleotide variant.
Coding change: c.2711C>G on transcript NM_002439.5 (MANE Select); coding-DNA position 2711, C replaced by G.
Protein change: p.Ser904Cys; replaces serine 904 with cysteine.
Molecular consequence: missense variant.
Genome position (GRCh38, 1-based): chr5:80,813,639, C>G. VCF-style: chr5-80813639-C-G. GRCh37 (hg19) VCF-style: chr5-80109458-C-G.
Other names: short protein forms S904C.
Identifiers: ClinVar variation 1795079 (VCV001795079.3), dbSNP rs1561486672, ClinGen allele CA360273922.